The following is an entry in ClinVar:

NM_020928.2(ZSWIM6):c.959C>G (p.Thr320Arg)

Gene: ZSWIM6 (zinc finger SWIM-type containing 6; plus strand). Cytogenetic location: 5q12.1.
Variant type: single nucleotide variant.
Coding change: c.959C>G on transcript NM_020928.2 (MANE Select); coding-DNA position 959, C replaced by G.
Protein change: p.Thr320Arg; replaces threonine 320 with arginine.
Molecular consequence: missense variant.
Genome position (GRCh38, 1-based): chr5:61,472,963, C>G. VCF-style: chr5-61472963-C-G. GRCh37 (hg19) VCF-style: chr5-60768790-C-G.
Other names: short protein forms T320R.
Identifiers: ClinVar variation 3715276 (VCV003715276.2).

ClinVar aggregate classification (germline): Uncertain significance (1 of 4 stars; one submission).

gnomAD v4.1: 16 of 1,544,460 alleles (0.001%); highest among the groups gnomAD compares: Non-Finnish European, 0.0014%; no homozygotes.

Submission:

Labcorp Genetics (formerly Invitae), Labcorp
Classification: Uncertain significance. Last evaluated: 2024-05-14. Review status: criteria provided, single submitter. Criteria: Invitae Variant Classification Sherloc (09022015). Collection method: clinical testing. Allele origin: germline.
Comment: This sequence change replaces threonine, which is neutral and polar, with arginine, which is basic and polar, at codon 320 of the ZSWIM6 protein (p.Thr320Arg). This variant is present in population databases (no rsID available, gnomAD 0.002%). This variant has not been reported in the literature in individuals affected with ZSWIM6-related conditions. Advanced modeling of protein sequence and biophysical properties (such as structural, functional, and spatial information, amino acid conservation, physicochemical variation, residue mobility, and thermodynamic stability) performed at Invitae indicates that this missense variant is not expected to disrupt ZSWIM6 protein function with a negative predictive value of 80%. In summary, the available evidence is currently insufficient to determine the role of this variant in disease. Therefore, it has been classified as a Variant of Uncertain Significance.